The following is an entry in ClinVar:

NM_002645.4(PIK3C2A):c.2068A>G (p.Ile690Val)

Gene: PIK3C2A (phosphatidylinositol-4-phosphate 3-kinase catalytic subunit type 2 alpha; minus strand). Cytogenetic location: 11p15.1.
Variant type: single nucleotide variant.
Coding change: c.2068A>G on transcript NM_002645.4 (MANE Select); coding-DNA position 2068, A replaced by G.
Protein change: p.Ile690Val; replaces isoleucine 690 with valine.
Molecular consequence: missense variant.
Genome position (GRCh38, 1-based): chr11:17,134,859, T>C on the plus strand (A>G on the coding strand, the complement: PIK3C2A is on the minus strand). VCF-style: chr11-17134859-T-C. GRCh37 (hg19) VCF-style: chr11-17156406-T-C.
Other names: c.2068A>G, p.Ile690Val (NM_001321378.2, NM_001386870.1); c.928A>G, p.Ile310Val (NM_001321380.2); short protein forms I690V, I310V.
Identifiers: ClinVar variation 2007757 (VCV002007757.4), dbSNP rs1161992181, ClinGen allele CA379763598.

ClinVar aggregate classification (germline): Uncertain significance (1 of 4 stars; one submission).

Allele frequency attached by ClinVar (database versions not stated): gnomAD exomes below 0.00001.
gnomAD v4.1: 4 of 1,614,114 alleles (0.00025%); highest among the groups gnomAD compares: Non-Finnish European, 0.00034%; no homozygotes.

Submission:

Labcorp Genetics (formerly Invitae), Labcorp
Classification: Uncertain significance. Last evaluated: 2022-06-26. Review status: criteria provided, single submitter. Criteria: Invitae Variant Classification Sherloc (09022015). Collection method: clinical testing. Allele origin: germline.
Comment: In summary, the available evidence is currently insufficient to determine the role of this variant in disease. Therefore, it has been classified as a Variant of Uncertain Significance. Algorithms developed to predict the effect of missense changes on protein structure and function output the following: SIFT: "Not Available"; PolyPhen-2: "Benign"; Align-GVGD: "Not Available". The valine amino acid residue is found in multiple mammalian species, which suggests that this missense change does not adversely affect protein function. This variant has not been reported in the literature in individuals affected with PIK3C2A-related conditions. This variant is not present in population databases (gnomAD no frequency). This sequence change replaces isoleucine, which is neutral and non-polar, with valine, which is neutral and non-polar, at codon 690 of the PIK3C2A protein (p.Ile690Val).